The following is an entry in ClinVar:

NM_001079802.2(FKTN):c.473dup (p.Leu160fs)

Gene: FKTN (fukutin; plus strand). Cytogenetic location: 9q31.2.
Variant type: Duplication.
Coding change: c.473dup on transcript NM_001079802.2 (MANE Select); coding-DNA position 473, one base duplicated (T; older notation c.473dupT).
Protein change: p.Leu160fs; shifts the reading frame from leucine 160.
Molecular consequence: frameshift variant. On other transcripts: non-coding transcript variant (2).
Genome position (GRCh38, 1-based): chr9:105,604,318, T duplicated. VCF-style (leftmost placement, unchanged base first): chr9-105604317-A-AT. GRCh37 (hg19) VCF-style: chr9-108366598-A-AT.
Other names: c.473dup, p.Leu160fs (NM_001198963.2, NM_001351496.2, NM_001351498.2 and 1 more transcripts); c.404dup, p.Leu137fs (NM_001351497.2); c.77dup, p.Leu28fs (NM_001351499.2, NM_001351500.2, NM_001351501.2 and 1 more transcripts); short protein forms L137fs, L160fs, L28fs.
Identifiers: ClinVar variation 2127577 (VCV002127577.4), dbSNP rs2539406491, ClinGen allele CA2580079318.
Genomic context (GRCh38, chr9:105,604,317, plus strand): 5'-CTAAAGATTGAGAGTAAAGATCCCCGGCTAGACGGGATAGACTCACTCTCTGGAACTGAA[A>AT]TCCCCCTGCACTATATCTGCAAACTGGCCACTCATGCGATCCACTTGGTAGTCTTTCATG-3'

ClinVar aggregate classification (germline): Pathogenic (1 of 4 stars; one submission).

Conditions:
Walker-Warburg congenital muscular dystrophy. Also called: Muscular dystrophy-dystroglycanopathy, type A; Walker-Warburg syndrome. Identifiers: Orphanet 899, MedGen C0265221, MONDO:0000171.

Submission:

Labcorp Genetics (formerly Invitae), Labcorp
Classification: Pathogenic for Walker-Warburg congenital muscular dystrophy. Last evaluated: 2022-04-28. Review status: criteria provided, single submitter. Criteria: Invitae Variant Classification Sherloc (09022015). Collection method: clinical testing. Allele origin: germline.
Comment: This sequence change creates a premature translational stop signal (p.Leu160Profs*19) in the FKTN gene. It is expected to result in an absent or disrupted protein product. Loss-of-function variants in FKTN are known to be pathogenic (PMID: 17044012, 17878207, 18752264). This variant is not present in population databases (gnomAD no frequency). This variant has not been reported in the literature in individuals affected with FKTN-related conditions. For these reasons, this variant has been classified as Pathogenic.

Literature cited by the submitters: PubMed 17044012; PubMed 17878207; PubMed 18752264.